The following is an entry in ClinVar:

NM_024757.5(EHMT1):c.1122dup (p.Ser375fs)

Gene: EHMT1 (euchromatic histone lysine methyltransferase 1; plus strand). Cytogenetic location: 9q34.3.
Variant type: Duplication.
Coding change: c.1122dup on transcript NM_024757.5 (MANE Select); coding-DNA position 1122, one base duplicated (C; older notation c.1122dupC).
Protein change: p.Ser375fs; shifts the reading frame from serine 375.
Molecular consequence: frameshift variant.
Genome position (GRCh38, 1-based): chr9:137,744,042, C duplicated. VCF-style (leftmost placement, unchanged base first): chr9-137744041-A-AC. GRCh37 (hg19) VCF-style: chr9-140638493-A-AC.
Other names: c.1122dup, p.Ser375fs (NM_001145527.2, NM_001354611.2); c.1029dup, p.Ser344fs (NM_001354259.2, NM_001354612.2); c.1101dup, p.Ser368fs (NM_001354263.2); c.1122dupC (NM_024757.4); short protein forms S375fs, S368fs, S344fs.
Identifiers: ClinVar variation 451455 (VCV000451455.2), dbSNP rs1554859292, ClinGen allele CA658657947.

ClinVar aggregate classification (germline): Pathogenic (1 of 4 stars; one submission).

Submission:

GeneDx
Classification: Pathogenic. Last evaluated: 2017-09-06. Review status: criteria provided, single submitter. Criteria: GeneDx Variant Classification (06012015). Collection method: clinical testing. Allele origin: germline. Affected: yes.
Comment: The c.1122dupC variant in the EHMT1 gene has not been reported previously as a pathogenic variant nor as a benign variant, to our knowledge. The c.1122dupC variant causes a frameshift starting with codon Serine 375, changes this amino acid to a Glutamine residue and creates a premature Stop codon at position 12 of the new reading frame, denoted p.Ser375GlnfsX12. This variant is predicted to cause loss of normal protein function either through protein truncation or nonsense-mediated mRNA decay. Furthermore, the c.1122dupC variant is not observed in large population cohorts (Lek et al., 2016; 1000 Genomes Consortium et al., 2015; Exome Variant Server). Therefore, the presence of the c.1122dupC pathogenic variant is consistent with the diagnosis of Kleefstra syndrome in this individual.